The following is an entry in ClinVar:

ClinVar aggregate classification (germline): Likely benign. Review status: criteria provided, multiple submitters, no conflicts (2 of 4 stars). 3 submissions from 3 submitters: Likely benign (3). Last evaluated 2024-08-15.

Conditions:
Cystic fibrosis (CF). Also called: MUCOVISCIDOSIS. Identifiers: Orphanet 586, MedGen C0010674, MONDO:0009061, OMIM 219700. Disease mechanism: loss of function.

Allele frequency attached by ClinVar (database versions not stated): gnomAD exomes below 0.00001.
gnomAD v4.1: 1 of 1,411,078 alleles (0.000071%); highest among the groups gnomAD compares: Non-Finnish European, 0.0001%; no homozygotes.

Submissions (3):

Women's Health and Genetics/Laboratory Corporation of America, LabCorp
Classification: Likely benign. Last evaluated: 2024-08-15. Review status: criteria provided, single submitter. Criteria: LabCorp Variant Classification Summary - May 2015. Collection method: clinical testing. Allele origin: germline.
Comment: Variant summary: CFTR c.490-9T>A alters a conserved nucleotide located at a position not widely known to affect splicing. Consensus agreement among computation tools predicts no significant impact on normal splicing. However, these predictions have yet to be confirmed by functional studies. The variant was absent in 248228 control chromosomes. The available data on variant occurrences in the general population are insufficient to allow any conclusion about variant significance. To our knowledge, no occurrence of c.490-9T>A in individuals affected with Chronic Pancreatitis Risk and no experimental evidence demonstrating its impact on protein function have been reported. ClinVar contains an entry for this variant (Variation ID: 1097670). Based on the evidence outlined above, the variant was classified as likely benign.

Ambry Genetics
Classification: Likely benign for Cystic fibrosis. Last evaluated: 2023-01-05. Review status: criteria provided, single submitter. Criteria: Ambry Variant Classification Scheme 2023. Collection method: clinical testing. Allele origin: germline.

Labcorp Genetics (formerly Invitae), Labcorp
Classification: Likely benign for Cystic fibrosis. Last evaluated: 2020-06-24. Review status: criteria provided, single submitter. Criteria: Invitae Variant Classification Sherloc (09022015). Collection method: clinical testing. Allele origin: germline.

NM_000492.4(CFTR):c.490-9T>A

Gene: CFTR (CF transmembrane conductance regulator; plus strand). Cytogenetic location: 7q31.2.
Variant type: single nucleotide variant.
Coding change: c.490-9T>A on transcript NM_000492.4 (MANE Select); 9 bases into the intron before coding-DNA position 490, T replaced by A.
Molecular consequence: intron variant.
Genome position (GRCh38, 1-based): chr7:117,534,267, T>A. VCF-style: chr7-117534267-T-A. GRCh37 (hg19) VCF-style: chr7-117174321-T-A.
Other names: c.490-9T>A (NM_000492.3).
Identifiers: ClinVar variation 1097670 (VCV001097670.11), dbSNP rs2116674841, ClinGen allele CA2499218672.